The following is an entry in ClinVar:

ClinVar aggregate classification (germline): Conflicting classifications of pathogenicity. Review status: criteria provided, conflicting classifications (1 of 4 stars). 2 submissions from 2 submitters: Pathogenic (1); Uncertain significance (1). Last evaluated 2025-09-28.

Conditions:
Familial isolated arrhythmogenic right ventricular dysplasia. Identifiers: Orphanet 217656, MedGen C4274968, MONDO:0016342.
Arrhythmogenic right ventricular dysplasia 11. Also called: ARRHYTHMOGENIC RIGHT VENTRICULAR DYSPLASIA, FAMILIAL, 11; Arrhythmogenic Right Ventricular Dysplasia/Cardiomyopathy11; Arrhythmogenic right ventricular dysplasia 11 with mild palmoplantar keratoderma and woolly hair. Identifiers: MedGen C1864850, MONDO:0012506, OMIM 610476.

Submissions (2):

Labcorp Genetics (formerly Invitae), Labcorp
Classification: Pathogenic for Arrhythmogenic right ventricular dysplasia 11. Last evaluated: 2025-09-28. Review status: criteria provided, single submitter. Criteria: Invitae Variant Classification Sherloc (09022015). Collection method: clinical testing. Allele origin: germline.
Comment: This sequence change creates a premature translational stop signal (p.Ile252Phefs*29) in the DSC2 gene. It is expected to result in an absent or disrupted protein product. Loss-of-function variants in DSC2 are known to be pathogenic (PMID: 23911551). This variant is not present in population databases (gnomAD no frequency). This variant has not been reported in the literature in individuals affected with DSC2-related conditions. ClinVar contains an entry for this variant (Variation ID: 3074668). For these reasons, this variant has been classified as Pathogenic.

All of Us Research Program, National Institutes of Health
Classification: Uncertain significance for Familial isolated arrhythmogenic right ventricular dysplasia. Last evaluated: 2023-11-20. Review status: criteria provided, single submitter. Criteria: ACMG Guidelines, 2015. Collection method: clinical testing. Allele origin: germline. Inheritance: Autosomal dominant inheritance. Observed: 1 variant allele, 1 heterozygote.
Comment: This variant deletes 1 nucleotide in exon 6 of the DSC2 gene, creating a frameshift and premature translation stop signal. This variant is expected to result in an absent or non-functional protein product. To our knowledge, this variant has not been reported in individuals affected with DSC2-related disorders in the literature. This variant has not been identified in the general population by the Genome Aggregation Database (gnomAD). Although there is a suspicion for a pathogenic role, the clinical relevance of loss-of-function DSC2 truncation and splice variants in autosomal dominant arrhythmogenic cardiomyopathy is not yet clearly established. The available evidence is insufficient to determine the role of this variant in disease conclusively. Therefore, this variant is classified as a Variant of Uncertain Significance.

This study involves interpretation of variants in research participants for the purpose of population health screening. Participant phenotype was not available at the time of variant classification. Additional details can be found in publication PMID: 35346344, PMCID: PMC8962531

Literature cited by the submitters: PubMed 23911551 (cited by Labcorp Genetics (formerly Invitae), Labcorp).

NM_024422.6(DSC2):c.754del (p.Ile252fs)

Gene: DSC2 (desmocollin 2; minus strand). Cytogenetic location: 18q12.1.
Variant type: Deletion.
Coding change: c.754del on transcript NM_024422.6 (MANE Select); coding-DNA position 754, one base deleted (A; older notation c.754delA).
Protein change: p.Ile252fs; shifts the reading frame from isoleucine 252.
Molecular consequence: frameshift variant.
Genome position (GRCh38, 1-based): chr18:31,087,690, T deleted on the plus strand (A on the coding strand, the reverse complement: DSC2 is on the minus strand); the first of 2 consecutive T bases (chr18:31,087,690-31,087,691); deleting either gives the same sequence. VCF-style (leftmost placement, unchanged base first): chr18-31087689-AT-A. GRCh37 (hg19) VCF-style: chr18-28667652-AT-A.
Other names: c.325del, p.Ile109fs (NM_001406506.1, NM_001406507.1); c.754del, p.Ile252fs (NM_004949.5); short protein forms I109fs, I252fs.
Identifiers: ClinVar variation 3074668 (VCV003074668.2), dbSNP rs2510952363, ClinGen allele CA2811993191.